The following is an entry in ClinVar:

ClinVar aggregate classification (germline): Uncertain significance (1 of 4 stars; one submission).

Allele frequency attached by ClinVar (database versions not stated): gnomAD 0.00002; gnomAD exomes 0.00002; ExAC 0.00003; TOPMed 0.00003; 1000 Genomes Project 30x 0.00016; 1000 Genomes Project 0.00020.
gnomAD v4.1: 34 of 1,613,394 alleles (0.0021%); highest among the groups gnomAD compares: Admixed American, 0.03%; no homozygotes.

Submission:

Labcorp Genetics (formerly Invitae), Labcorp
Classification: Uncertain significance. Last evaluated: 2022-03-09. Review status: criteria provided, single submitter. Criteria: Invitae Variant Classification Sherloc (09022015). Collection method: clinical testing. Allele origin: germline.
Comment: This sequence change replaces arginine, which is basic and polar, with tryptophan, which is neutral and slightly polar, at codon 256 of the SLC22A12 protein (p.Arg256Trp). This variant is present in population databases (rs545057478, gnomAD 0.04%). This variant has not been reported in the literature in individuals affected with SLC22A12-related conditions. Algorithms developed to predict the effect of missense changes on protein structure and function are either unavailable or do not agree on the potential impact of this missense change (SIFT: "Deleterious"; PolyPhen-2: "Probably Damaging"; Align-GVGD: "Class C0"). Algorithms developed to predict the effect of sequence changes on RNA splicing suggest that this variant may disrupt the consensus splice site. In summary, the available evidence is currently insufficient to determine the role of this variant in disease. Therefore, it has been classified as a Variant of Uncertain Significance.

NM_144585.4(SLC22A12):c.766C>T (p.Arg256Trp)

Gene: SLC22A12 (solute carrier family 22 member 12; plus strand). Cytogenetic location: 11q13.1.
Variant type: single nucleotide variant.
Coding change: c.766C>T on transcript NM_144585.4 (MANE Select); coding-DNA position 766, C replaced by T.
Protein change: p.Arg256Trp; replaces arginine 256 with tryptophan.
Molecular consequence: missense variant. On other transcripts: intron variant (1).
Genome position (GRCh38, 1-based): chr11:64,593,739, C>T. VCF-style: chr11-64593739-C-T. GRCh37 (hg19) VCF-style: chr11-64361211-C-T.
Other names: c.664C>T, p.Arg222Trp (NM_001276326.2); c.103C>T, p.Arg35Trp (NM_153378.3); c.506+857C>T (NM_001276327.2); short protein forms R222W, R35W, R256W.
Identifiers: ClinVar variation 2069425 (VCV002069425.1), dbSNP rs545057478, ClinGen allele CA6077180.
Genomic context (GRCh38, chr11:64,593,739, plus strand): 5'-TTGAACTCTCTGGGCTTCAGCTTCGGCCATGGCCTGACAGCTGCAGTGGCCTACGGTGTG[C>T]GGGACTGGACACTGCTGCAGCTGGTGGTCTCGGTCCCCTTCTTCCTCTGCTTTTTGTACT-3'
Protein context (NP_653186.2, residues 246-266): GLTAAVAYGV[Arg256Trp]DWTLLQLVVS